The following is an entry in ClinVar:

ClinVar aggregate classification (germline): Benign (1 of 4 stars; one submission).

Allele frequency attached by ClinVar (database versions not stated): 1000 Genomes Project 0.11142; TOPMed 0.11873; 1000 Genomes Project 30x 0.12180.
gnomAD v4.1: 22,994 of 686,000 alleles (3.4%); highest among the groups gnomAD compares: African/African-American, 36%; 3,838 homozygotes.

Submission:

GeneDx
Classification: Benign. Last evaluated: 2018-06-16. Review status: criteria provided, single submitter. Criteria: GeneDx Variant Classification (06012015). Collection method: clinical testing. Allele origin: germline. Affected: yes.
Comment: This variant is considered likely benign or benign based on one or more of the following criteria: it is a conservative change, it occurs at a poorly conserved position in the protein, it is predicted to be benign by multiple in silico algorithms, and/or has population frequency not consistent with disease.

NM_212552.3(BOLA3):c.169+141C>T

Gene: BOLA3 (bolA family member 3; minus strand). Cytogenetic location: 2p13.1.
Variant type: single nucleotide variant.
Coding change: c.169+141C>T on transcript NM_212552.3 (MANE Select); 141 bases into the intron after coding-DNA position 169, C replaced by T.
Molecular consequence: intron variant.
Genome position (GRCh38, 1-based): chr2:74,145,048, G>A on the plus strand (C>T on the coding strand, the complement: BOLA3 is on the minus strand). VCF-style: chr2-74145048-G-A. GRCh37 (hg19) VCF-style: chr2-74372175-G-A.
Other names: c.169+141C>T (NM_001035505.2).
Identifiers: ClinVar variation 676297 (VCV000676297.1), dbSNP rs13406790, ClinGen allele CA50434856.